The following is an entry in ClinVar:

ClinVar aggregate classification (germline): Uncertain significance (1 of 4 stars; one submission).

Conditions:
Familial adenomatous polyposis 1 (FAP1). Also called: POLYPOSIS, ADENOMATOUS INTESTINAL; FAMILIAL ADENOMATOUS POLYPOSIS 1, ATTENUATED. Identifiers: MedGen C2713442, MONDO:0021056, OMIM 175100. Disease mechanism: loss of function.

Submission:

Labcorp Genetics (formerly Invitae), Labcorp
Classification: Uncertain significance for Familial adenomatous polyposis 1. Last evaluated: 2022-01-16. Review status: criteria provided, single submitter. Criteria: Invitae Variant Classification Sherloc (09022015). Collection method: clinical testing. Allele origin: germline.
Comment: This sequence change replaces leucine, which is neutral and non-polar, with proline, which is neutral and non-polar, at codon 1972 of the APC protein (p.Leu1972Pro). This variant is not present in population databases (gnomAD no frequency). This variant has not been reported in the literature in individuals affected with APC-related conditions. ClinVar contains an entry for this variant (Variation ID: 967810). Algorithms developed to predict the effect of missense changes on protein structure and function (SIFT, PolyPhen-2, Align-GVGD) all suggest that this variant is likely to be disruptive. In summary, the available evidence is currently insufficient to determine the role of this variant in disease. Therefore, it has been classified as a Variant of Uncertain Significance.

NM_000038.6(APC):c.5915T>C (p.Leu1972Pro)

Gene: APC (APC regulator of Wnt signaling pathway; plus strand). Cytogenetic location: 5q22.2.
Variant type: single nucleotide variant.
Coding change: c.5915T>C on transcript NM_000038.6 (MANE Select); coding-DNA position 5915, T replaced by C.
Protein change: p.Leu1972Pro; replaces leucine 1972 with proline.
Molecular consequence: missense variant.
Genome position (GRCh38, 1-based): chr5:112,841,509, T>C. VCF-style: chr5-112841509-T-C. GRCh37 (hg19) VCF-style: chr5-112177206-T-C.
Other names: c.5915T>C, p.Leu1972Pro (NM_001127510.3, NM_001354895.2); c.5861T>C, p.Leu1954Pro (NM_001127511.3); c.5969T>C, p.Leu1990Pro (NM_001354896.2); c.5945T>C, p.Leu1982Pro (NM_001354897.2); c.5840T>C, p.Leu1947Pro (NM_001354898.2); c.5831T>C, p.Leu1944Pro (NM_001354899.2); c.5792T>C, p.Leu1931Pro (NM_001354900.2); c.5738T>C, p.Leu1913Pro (NM_001354901.2); and 5 more; short protein forms L1689P, L1846P, L1947P, L1990P, L1812P, L1972P, L1982P, L1931P.
Identifiers: ClinVar variation 967810 (VCV000967810.11), dbSNP rs1766085370, ClinGen allele CA16034271.
Genomic context (GRCh38, chr5:112,841,509, plus strand): 5'-AGAATTTTGCTATTGAAAATACTCCGGTTTGCTTTTCTCATAATTCCTCTCTGAGTTCTC[T>C]CAGTGACATTGACCAAGAAAACAACAATAAAGAAAATGAACCTATCAAAGAGACTGAGCC-3'
Protein context (NP_000029.2, residues 1962-1982): CFSHNSSLSS[Leu1972Pro]SDIDQENNNK